The following is an entry in ClinVar:

NM_001734.5(C1S):c.503T>C (p.Met168Thr)

Gene: C1S (complement C1s; plus strand). Cytogenetic location: 12p13.31.
Variant type: single nucleotide variant.
Coding change: c.503T>C on transcript NM_001734.5 (MANE Select); coding-DNA position 503, T replaced by C.
Protein change: p.Met168Thr; replaces methionine 168 with threonine.
Molecular consequence: missense variant. On other transcripts: initiator codon variant (1).
Genome position (GRCh38, 1-based): chr12:7,064,378, T>C. VCF-style: chr12-7064378-T-C. GRCh37 (hg19) VCF-style: chr12-7171682-T-C.
Other names: c.2T>C, p.Met1Thr (NM_001346850.2); c.503T>C, p.Met168Thr (NM_201442.4); short protein forms M1T, M168T.
Identifiers: ClinVar variation 3826246 (VCV003826246.2).
Genomic context (GRCh38, chr12:7,064,378, plus strand): 5'-ACAATTTCATTGGTGGTTACTTCTGCTCCTGCCCCCCGGAATATTTCCTCCATGATGACA[T>C]GAAGAATTGCGGAGGTGAGCTTGGTGTTAAGAGGGTTGCATGTTCCCTGGGATTTGGAAT-3'
Protein context (NP_001725.1, residues 158-178): CPPEYFLHDD[Met168Thr]KNCGVNCSGD

ClinVar aggregate classification (germline): Uncertain significance. Review status: criteria provided, multiple submitters, no conflicts (2 of 4 stars). 2 submissions from 2 submitters: Uncertain significance (2). Last evaluated 2025-02-23.

Conditions:
Inborn genetic diseases. Identifiers: MedGen C0950123, MeSH D030342.

Submissions (2):

Labcorp Genetics (formerly Invitae), Labcorp
Classification: Uncertain significance. Last evaluated: 2025-02-23. Review status: criteria provided, single submitter. Criteria: Invitae Variant Classification Sherloc (09022015). Collection method: clinical testing. Allele origin: germline.
Comment: This sequence change replaces methionine, which is neutral and non-polar, with threonine, which is neutral and polar, at codon 168 of the C1S protein (p.Met168Thr). This variant is present in population databases (rs782710558, gnomAD 0.007%). This variant has not been reported in the literature in individuals affected with C1S-related conditions. An algorithm developed to predict the effect of missense changes on protein structure and function outputs the following: PolyPhen-2: "Benign". The threonine amino acid residue is found in multiple mammalian species, which suggests that this missense change does not adversely affect protein function. In summary, the available evidence is currently insufficient to determine the role of this variant in disease. Therefore, it has been classified as a Variant of Uncertain Significance.

Ambry Genetics
Classification: Uncertain significance for Inborn genetic diseases. Last evaluated: 2024-12-16. Review status: criteria provided, single submitter. Criteria: Ambry Variant Classification Scheme 2023. Collection method: clinical testing. Allele origin: germline.